The following is an entry in ClinVar:

NM_005732.4(RAD50):c.1680T>G (p.Ser560Arg)

Gene: RAD50 (RAD50 double strand break repair protein; plus strand). Cytogenetic location: 5q31.1.
Variant type: single nucleotide variant.
Coding change: c.1680T>G on transcript NM_005732.4 (MANE Select); coding-DNA position 1680, T replaced by G.
Protein change: p.Ser560Arg; replaces serine 560 with arginine.
Molecular consequence: missense variant.
Genome position (GRCh38, 1-based): chr5:132,591,921, T>G. VCF-style: chr5-132591921-T-G. GRCh37 (hg19) VCF-style: chr5-131927613-T-G.
Other names: short protein forms S560R.
Identifiers: ClinVar variation 187658 (VCV000187658.15), dbSNP rs786203901, ClinGen allele CA198216.

ClinVar aggregate classification (germline): Uncertain significance. Review status: criteria provided, multiple submitters, no conflicts (2 of 4 stars). 3 submissions from 3 submitters: Uncertain significance (3). Last evaluated 2021-06-30.

Conditions:
Hereditary cancer-predisposing syndrome. Also called: Neoplastic Syndromes, Hereditary; Tumor predisposition; Hereditary Cancer Syndrome; Hereditary neoplastic syndrome. Identifiers: Orphanet 140162, MedGen C0027672, MeSH D009386, MONDO:0015356.

Submissions (3):

Labcorp Genetics (formerly Invitae), Labcorp
Classification: Uncertain significance for Hereditary cancer-predisposing syndrome. Last evaluated: 2021-06-30. Review status: criteria provided, single submitter. Criteria: Invitae Variant Classification Sherloc (09022015). Collection method: clinical testing. Allele origin: germline.
Comment: This sequence change replaces serine with arginine at codon 560 of the RAD50 protein (p.Ser560Arg). The serine residue is moderately conserved and there is a moderate physicochemical difference between serine and arginine. This variant is not present in population databases (ExAC no frequency). This variant has been observed in individual(s) with a personal or family history of breast and/or ovarian cancer (PMID: 31159747). ClinVar contains an entry for this variant (Variation ID: 187658). Algorithms developed to predict the effect of missense changes on protein structure and function (SIFT, PolyPhen-2, Align-GVGD) all suggest that this variant is likely to be tolerated, but these predictions have not been confirmed by published functional studies and their clinical significance is uncertain. In summary, the available evidence is currently insufficient to determine the role of this variant in disease. Therefore, it has been classified as a Variant of Uncertain Significance.

GeneKor MSA
Classification: Uncertain significance for Hereditary cancer-predisposing syndrome. Last evaluated: 2018-08-01. Review status: criteria provided, single submitter. Criteria: ACMG Guidelines, 2015. Collection method: clinical testing. Allele origin: germline.

Ambry Genetics
Classification: Uncertain significance for Hereditary cancer-predisposing syndrome. Last evaluated: 2014-12-19. Review status: criteria provided, single submitter. Criteria: Ambry Variant Classification Scheme 2023. Collection method: clinical testing. Allele origin: germline.
Comment: The p.S560R variant (also known as c.1680T>G), located in coding exon 11 of the RAD50 gene, results from a T to G substitution at nucleotide position 1680. The serine at codon 560 is replaced by arginine, an amino acid with dissimilar properties. This variant was not reported in population based cohorts in the following databases: Database of Single Nucleotide Polymorphisms (dbSNP), NHLBI Exome Sequencing Project (ESP), and 1000 Genomes Project. In the ESP, this variant was not observed in 6501 samples (13002 alleles) with coverage at this position. To date, this alteration has been detected with an allele frequency of approximately 0.003% (greater than 40,000 alleles tested) in our clinical cohort. This amino acid position is not well conserved in available vertebrate species. In addition, this alteration is predicted to be tolerated by in silico analysis. Since supporting evidence is limited at this time, the clinical significance of p.S560R remains unclear.

Literature cited by the submitters: PubMed 31159747 (cited by Labcorp Genetics (formerly Invitae), Labcorp).